The following is an entry in ClinVar:

NM_007347.5(AP4E1):c.3043C>G (p.His1015Asp)

Gene: AP4E1 (adaptor related protein complex 4 subunit epsilon 1; plus strand). Cytogenetic location: 15q21.2.
Variant type: single nucleotide variant.
Coding change: c.3043C>G on transcript NM_007347.5 (MANE Select); coding-DNA position 3043, C replaced by G.
Protein change: p.His1015Asp; replaces histidine 1015 with aspartic acid.
Molecular consequence: missense variant.
Genome position (GRCh38, 1-based): chr15:50,999,210, C>G. VCF-style: chr15-50999210-C-G. GRCh37 (hg19) VCF-style: chr15-51291407-C-G.
Other names: c.2818C>G, p.His940Asp (NM_001252127.2); short protein forms H1015D, H940D.
Identifiers: ClinVar variation 1386213 (VCV001386213.8), dbSNP rs746806639, ClinGen allele CA392421706.
Genomic context (GRCh38, chr15:50,999,210, plus strand): 5'-GAAAAACCTTTTACAGAAGGAAATCTTACTGGTTTTATTAGTTATCATATGATGGATACT[C>G]ATTCTGCTCAGCTGGAATTTTCTGTAAACTTATCACTATTAGATTTCATTAGGTAAATGT-3'
Protein context (NP_031373.2, residues 1005-1025): GFISYHMMDT[His1015Asp]SAQLEFSVNL

ClinVar aggregate classification (germline): Uncertain significance (1 of 4 stars; one submission).

Conditions:
Spastic paraplegia. Identifiers: MedGen C0037772, HP:0001258.

Submission:

Labcorp Genetics (formerly Invitae), Labcorp
Classification: Uncertain significance for Spastic paraplegia. Last evaluated: 2021-02-16. Review status: criteria provided, single submitter. Criteria: Invitae Variant Classification Sherloc (09022015). Collection method: clinical testing. Allele origin: germline.
Comment: This variant has not been reported in the literature in individuals with AP4E1-related conditions. In summary, the available evidence is currently insufficient to determine the role of this variant in disease. Therefore, it has been classified as a Variant of Uncertain Significance. Algorithms developed to predict the effect of missense changes on protein structure and function (SIFT, PolyPhen-2, Align-GVGD) all suggest that this variant is likely to be tolerated, but these predictions have not been confirmed by published functional studies and their clinical significance is uncertain. This variant is not present in population databases (ExAC no frequency). This sequence change replaces histidine with aspartic acid at codon 1015 of the AP4E1 protein (p.His1015Asp). The histidine residue is weakly conserved and there is a moderate physicochemical difference between histidine and aspartic acid.